The following is an entry in ClinVar:

NM_006245.4(PPP2R5D):c.649T>C (p.Phe217Leu)

Gene: PPP2R5D (protein phosphatase 2 regulatory subunit B'delta; plus strand). Cytogenetic location: 6p21.1.
Variant type: single nucleotide variant.
Coding change: c.649T>C on transcript NM_006245.4 (MANE Select); coding-DNA position 649, T replaced by C.
Protein change: p.Phe217Leu; replaces phenylalanine 217 with leucine.
Molecular consequence: missense variant.
Genome position (GRCh38, 1-based): chr6:43,007,429, T>C. VCF-style: chr6-43007429-T-C. GRCh37 (hg19) VCF-style: chr6-42975167-T-C.
Other names: c.196T>C, p.Phe66Leu (NM_001270476.2); c.553T>C, p.Phe185Leu (NM_180976.3); c.331T>C, p.Phe111Leu (NM_180977.3); short protein forms F111L, F185L, F217L, F66L.
Identifiers: ClinVar variation 2626874 (VCV002626874.1), dbSNP rs2532476482, ClinGen allele CA364186096.

ClinVar aggregate classification (germline): Likely pathogenic (1 of 4 stars; one submission).

Conditions:
Houge-Janssens syndrome 1. Also called: INTELLECTUAL DEVELOPMENTAL DISORDER, AUTOSOMAL DOMINANT 35; Intellectual disability-macrocephaly-hypotonia-behavioral abnormalities syndrome; Hogue-Janssens syndrome 1; PPP2R5D-Related Neurodevelopmental Disorder. Identifiers: Orphanet 457279, MedGen C5779996, MONDO:0014602, OMIM 616355.

Allele frequency attached by ClinVar (database versions not stated): gnomAD exomes below 0.00001.
gnomAD v4.1: 1 of 1,613,316 alleles (0.000062%); highest among the groups gnomAD compares: South Asian, 0.0011%; no homozygotes.

Submission:

Greenwood Genetic Center Diagnostic Laboratories, Greenwood Genetic Center
Classification: Likely pathogenic for Houge-Janssens syndrome 1. Last evaluated: 2023-08-03. Review status: criteria provided, single submitter. Criteria: ACMG Guidelines, 2015. Collection method: clinical testing. Allele origin: germline. Affected: yes.
Comment: PS2, PM2, PP2